The following is an entry in ClinVar:

ClinVar aggregate classification (germline): Likely benign. Review status: criteria provided, multiple submitters, no conflicts (2 of 4 stars). 4 submissions from 4 submitters: Likely benign (4). Last evaluated 2025-12-22.

Conditions:
Cardiovascular phenotype. Identifiers: MedGen CN230736.
Arrhythmogenic right ventricular dysplasia 11. Also called: ARRHYTHMOGENIC RIGHT VENTRICULAR DYSPLASIA, FAMILIAL, 11; Arrhythmogenic Right Ventricular Dysplasia/Cardiomyopathy11; Arrhythmogenic right ventricular dysplasia 11 with mild palmoplantar keratoderma and woolly hair. Identifiers: MedGen C1864850, MONDO:0012506, OMIM 610476.
Familial isolated arrhythmogenic right ventricular dysplasia. Identifiers: Orphanet 217656, MedGen C4274968, MONDO:0016342.
Cardiomyopathy (CMYO). Also called: Cardiomyopathies. Identifiers: Orphanet 167848, MedGen C0878544, MONDO:0004994, HP:0001638. Inheritance: Various modes of inheritance.

Allele frequency attached by ClinVar (database versions not stated): gnomAD 0.00001; gnomAD exomes 0.00001 and 0.00002; TOPMed 0.00001; ExAC 0.00003.
gnomAD v4.1: 20 of 1,613,826 alleles (0.0012%); highest among the groups gnomAD compares: South Asian, 0.0044%; no homozygotes.

Submissions (4):

Labcorp Genetics (formerly Invitae), Labcorp
Classification: Likely benign for Arrhythmogenic right ventricular dysplasia 11. Last evaluated: 2025-12-22. Review status: criteria provided, single submitter. Criteria: Invitae Variant Classification Sherloc (09022015). Collection method: clinical testing. Allele origin: germline.

All of Us Research Program, National Institutes of Health
Classification: Likely benign for Familial isolated arrhythmogenic right ventricular dysplasia. Last evaluated: 2024-02-05. Review status: criteria provided, single submitter. Criteria: ACMG Guidelines, 2015. Collection method: clinical testing. Allele origin: germline. Inheritance: Autosomal dominant inheritance. Observed: 2 variant alleles, 2 heterozygotes.
Comment: This study involves interpretation of variants in research participants for the purpose of population health screening. Participant phenotype was not available at the time of variant classification. Additional details can be found in publication PMID: 35346344, PMCID: PMC8962531

Ambry Genetics
Classification: Likely benign for Cardiovascular phenotype. Last evaluated: 2022-03-03. Review status: criteria provided, single submitter. Criteria: Ambry Variant Classification Scheme 2023. Collection method: clinical testing. Allele origin: germline.

Color Diagnostics, LLC DBA Color Health
Classification: Likely benign for Cardiomyopathy. Last evaluated: 2019-06-17. Review status: criteria provided, single submitter. Criteria: ACMG Guidelines, 2015. Collection method: clinical testing. Allele origin: germline.

NM_024422.6(DSC2):c.396C>T (p.Arg132=)

Gene: DSC2 (desmocollin 2; minus strand). Cytogenetic location: 18q12.1.
Variant type: single nucleotide variant.
Coding change: c.396C>T on transcript NM_024422.6 (MANE Select); coding-DNA position 396, C replaced by T.
Protein change: p.Arg132=; no amino-acid change (arginine 132 retained).
Molecular consequence: synonymous variant.
Genome position (GRCh38, 1-based): chr18:31,091,106, G>A on the plus strand (C>T on the coding strand, the complement: DSC2 is on the minus strand). VCF-style: chr18-31091106-G-A. GRCh37 (hg19) VCF-style: chr18-28671069-G-A.
Other names: c.396C>T, p.Arg132= (NM_004949.5).
Identifiers: ClinVar variation 921192 (VCV000921192.12), dbSNP rs773053517, ClinGen allele CA038283.
Genomic context (GRCh38, chr18:31,091,106, plus strand): 5'-AAAAGGACCCAAGGAGTTTTCTAGCATCGAACAAGGAATTGGAGCCCATCTTCTCTTGGC[G>A]CGCCTTAGAACTTTTTCTTTAGTATGTCTTTTCTTTAGGACCTCAATTCATAAGACAGGA-3'
Protein context (NP_077740.1, residues 122-142): KRHTKEKVLR[Arg132=]AKRRWAPIPC